The following is an entry in ClinVar:

ClinVar aggregate classification (germline): Uncertain significance (1 of 4 stars; one submission).

Conditions:
Neurofibromatosis, type 1 (NF1). Also called: Peripheral type neurofibromatosis; Neurofibromatosis, type I; VON RECKLINGHAUSEN DISEASE; NEUROFIBROMATOSIS, TYPE I, SOMATIC. Identifiers: Orphanet 636, MedGen C0027831, MONDO:0018975, OMIM 162200. Disease mechanism: loss of function.

Submission:

Labcorp Genetics (formerly Invitae), Labcorp
Classification: Uncertain significance for Neurofibromatosis, type 1. Last evaluated: 2019-10-17. Review status: criteria provided, single submitter. Criteria: Invitae Variant Classification Sherloc (09022015). Collection method: clinical testing. Allele origin: germline.
Comment: This variant results in a copy number gain of the genomic region encompassing the full coding sequence of the NF1 gene. The boundaries of this event are unknown as they extend beyond the assayed region for this gene and therefore may encompass additional genes. As the precise location of this event is unknown, it may be in tandem or it may be located elsewhere in the genome. While a whole gene duplication of NF1 alone has not been reported in the literature in individuals with NF1-related disease, microduplications spanning NF1 and the surrounding genomic region have been reported in individuals with variable developmental delay, intellectual disability, and a distinct absence of neurofibromas (PMID: 25205021, 22241097, 18183042, 27629806). These large multigenic duplications in NF1 appear to segregate with disease in several families although a few unaffected carriers have also been observed (PMID: 18183042, 22241097, 25205021). In summary, the available evidence is currently insufficient to determine the role of this variant in disease. Therefore, it has been classified as a Variant of Uncertain Significance.

Literature cited by the submitters: PubMed 25205021; PubMed 18183042; PubMed 22241097; PubMed 27629806.

NC_000017.11:g.(?_31095030)_(31374155_?)dup

Genes: EVI2A (ecotropic viral integration site 2A; minus strand), EVI2B (ecotropic viral integration site 2B; minus strand), NF1 (neurofibromin 1; plus strand), OMG (oligodendrocyte myelin glycoprotein; minus strand). Cytogenetic location: 17q11.2.
Variant type: Duplication.
Identifiers: ClinVar variation 833390 (VCV000833390.2).